The following is an entry in ClinVar:

ClinVar aggregate classification (germline): Uncertain significance (1 of 4 stars; one submission).

Submission:

Labcorp Genetics (formerly Invitae), Labcorp
Classification: Uncertain significance. Last evaluated: 2023-07-28. Review status: criteria provided, single submitter. Criteria: Invitae Variant Classification Sherloc (09022015). Collection method: clinical testing. Allele origin: germline.
Comment: In summary, the available evidence is currently insufficient to determine the role of this variant in disease. Therefore, it has been classified as a Variant of Uncertain Significance. Advanced modeling of protein sequence and biophysical properties (such as structural, functional, and spatial information, amino acid conservation, physicochemical variation, residue mobility, and thermodynamic stability) performed at Invitae indicates that this missense variant is expected to disrupt PIGV protein function. ClinVar contains an entry for this variant (Variation ID: 1414692). This variant has not been reported in the literature in individuals affected with PIGV-related conditions. This variant is not present in population databases (gnomAD no frequency). This sequence change replaces proline, which is neutral and non-polar, with leucine, which is neutral and non-polar, at codon 89 of the PIGV protein (p.Pro89Leu).

NM_017837.4(PIGV):c.266C>T (p.Pro89Leu)

Gene: PIGV (phosphatidylinositol glycan anchor biosynthesis class V; plus strand). Cytogenetic location: 1p36.11.
Variant type: single nucleotide variant.
Coding change: c.266C>T on transcript NM_017837.4 (MANE Select); coding-DNA position 266, C replaced by T.
Protein change: p.Pro89Leu; replaces proline 89 with leucine.
Molecular consequence: missense variant. On other transcripts: 5 prime UTR variant (1), non-coding transcript variant (1), intron variant (3).
Genome position (GRCh38, 1-based): chr1:26,794,300, C>T. VCF-style: chr1-26794300-C-T. GRCh37 (hg19) VCF-style: chr1-27120791-C-T.
Other names: c.266C>T, p.Pro89Leu (NM_001202554.2, NM_001374478.1, NM_001374480.1 and 2 more transcripts); c.-116C>T (NM_001374483.1); c.172+94C>T (NM_001374484.1, NM_001374485.1); c.79-3263C>T (NM_001374486.1); short protein forms P89L.
Identifiers: ClinVar variation 1414692 (VCV001414692.6), dbSNP rs2124193748, ClinGen allele CA339199211.
Genomic context (GRCh38, chr1:26,794,300, plus strand): 5'-AACACTTCTTGTTCATTGCTGAGCATGGCTACCTGTATGAGCACAACTTTGCCTTCTTTC[C>T]TGGTTTCCCCTTGGCCCTGCTGGTGGGGACTGAACTGTTGAGACCCTTACGGGGGTTACT-3'
Protein context (NP_060307.2, residues 79-99): YLYEHNFAFF[Pro89Leu]GFPLALLVGT